The following is an entry in ClinVar:

NM_004655.4(AXIN2):c.604A>G (p.Ser202Gly)

Gene: AXIN2 (axin 2; minus strand). Cytogenetic location: 17q24.1.
Variant type: single nucleotide variant.
Coding change: c.604A>G on transcript NM_004655.4 (MANE Select); coding-DNA position 604, A replaced by G.
Protein change: p.Ser202Gly; replaces serine 202 with glycine.
Molecular consequence: missense variant.
Genome position (GRCh38, 1-based): chr17:65,558,017, T>C on the plus strand (A>G on the coding strand, the complement: AXIN2 is on the minus strand). VCF-style: chr17-65558017-T-C. GRCh37 (hg19) VCF-style: chr17-63554135-T-C.
Other names: c.604A>G (LRG_296t1); c.604A>G, p.Ser202Gly (NM_001363813.1); short protein forms S202G.
Identifiers: ClinVar variation 665138 (VCV000665138.13), dbSNP rs780801809, ClinGen allele CA400680709.
Genomic context (GRCh38, chr17:65,558,017, plus strand): 5'-ACACGACCTTTAGGCTCCCGAGTCCCCCATTACTCATGTAAGCTGTGTTTTCTCCCCCAC[T>C]CCTCACATATTCGAGGTATATATCAGAAGTCAAAAACATCTGGTAGGCATTTTCCTCCAT-3'
Protein context (NP_004646.3, residues 192-212): TSDIYLEYVR[Ser202Gly]GGENTAYMSN

ClinVar aggregate classification (germline): Uncertain significance. Review status: criteria provided, multiple submitters, no conflicts (2 of 4 stars). 3 submissions from 3 submitters: Uncertain significance (3). Last evaluated 2025-08-11.

Conditions:
Hereditary cancer-predisposing syndrome. Also called: Tumor predisposition; Hereditary neoplastic syndrome; Neoplastic Syndromes, Hereditary; Hereditary Cancer Syndrome. Identifiers: Orphanet 140162, MedGen C0027672, MeSH D009386, MONDO:0015356.
Oligodontia-cancer predisposition syndrome. Also called: TOOTH AGENESIS-COLORECTAL CANCER SYNDROME. Identifiers: Orphanet 300576, MedGen C1837750, MONDO:0012075, OMIM 608615. Disease mechanism: loss of function.

Submissions (3):

Labcorp Genetics (formerly Invitae), Labcorp
Classification: Uncertain significance for Oligodontia-cancer predisposition syndrome. Last evaluated: 2025-08-11. Review status: criteria provided, single submitter. Criteria: Invitae Variant Classification Sherloc (09022015). Collection method: clinical testing. Allele origin: germline.
Comment: This sequence change replaces serine, which is neutral and polar, with glycine, which is neutral and non-polar, at codon 202 of the AXIN2 protein (p.Ser202Gly). This variant is not present in population databases (gnomAD no frequency). This variant has not been reported in the literature in individuals affected with AXIN2-related conditions. ClinVar contains an entry for this variant (Variation ID: 665138). Invitae Evidence Modeling of protein sequence and biophysical properties (such as structural, functional, and spatial information, amino acid conservation, physicochemical variation, residue mobility, and thermodynamic stability) indicates that this missense variant is not expected to disrupt AXIN2 protein function with a negative predictive value of 80%. In summary, the available evidence is currently insufficient to determine the role of this variant in disease. Therefore, it has been classified as a Variant of Uncertain Significance.

Ambry Genetics
Classification: Uncertain significance for Hereditary cancer-predisposing syndrome. Last evaluated: 2024-11-05. Review status: criteria provided, single submitter. Criteria: Ambry Variant Classification Scheme 2023. Collection method: clinical testing. Allele origin: germline.
Comment: The p.S202G variant (also known as c.604A>G), located in coding exon 1 of the AXIN2 gene, results from an A to G substitution at nucleotide position 604. The serine at codon 202 is replaced by glycine, an amino acid with similar properties. This amino acid position is not well conserved in available vertebrate species. In addition, this alteration is predicted to be tolerated by in silico analysis. Since supporting evidence is limited at this time, the clinical significance of this alteration remains unclear.

GeneDx
Classification: Uncertain significance. Last evaluated: 2024-01-21. Review status: criteria provided, single submitter. Criteria: GeneDx Variant Classification Process June 2021. Collection method: clinical testing. Allele origin: germline. Affected: yes.
Comment: Not observed at significant frequency in large population cohorts (gnomAD); In silico analysis supports that this missense variant has a deleterious effect on protein structure/function; Has not been previously published as pathogenic or benign to our knowledge; This variant is associated with the following publications: (PMID: 30680046)